The following is an entry in ClinVar:

NM_033305.3(VPS13A):c.7155+1del

Gene: VPS13A (vacuolar protein sorting 13 homolog A; plus strand). Cytogenetic location: 9q21.2.
Variant type: Deletion.
Coding change: c.7155+1del on transcript NM_033305.3 (MANE Select); the canonical splice donor site of the intron after coding-DNA position 7155, one base deleted (G; older notation c.7155+1delG).
Molecular consequence: splice donor variant.
Genome position (GRCh38, 1-based): chr9:77,344,282, G deleted; the last of 2 consecutive G bases (chr9:77,344,281-77,344,282); deleting either gives the same sequence. VCF-style (leftmost placement, unchanged base first): chr9-77344280-AG-A. GRCh37 (hg19) VCF-style: chr9-79959196-AG-A.
Other names: c.7038+1del (NM_001018037.2); c.7155+1del (NM_015186.4, NM_001018038.3).
Identifiers: ClinVar variation 971833 (VCV000971833.8), dbSNP rs753100746, ClinGen allele CA5093226.

ClinVar aggregate classification (germline): Pathogenic (1 of 4 stars; one submission).

Submission:

Labcorp Genetics (formerly Invitae), Labcorp
Classification: Pathogenic. Last evaluated: 2021-02-19. Review status: criteria provided, single submitter. Criteria: Invitae Variant Classification Sherloc (09022015). Collection method: clinical testing. Allele origin: germline.
Comment: For these reasons, this variant has been classified as Pathogenic. Loss-of-function variants in VPS13A are known to be pathogenic (PMID: 12404112, 21598378). Algorithms developed to predict the effect of sequence changes on RNA splicing suggest that this variant may disrupt the consensus splice site, but this prediction has not been confirmed by published transcriptional studies. This variant has not been reported in the literature in individuals with VPS13A-related conditions. This variant is present in population databases (rs753100746, ExAC 0.01%). This sequence change creates a premature translational stop signal (p.Glu2385Aspfs*6) in the VPS13A gene. It is expected to result in an absent or disrupted protein product.

Literature cited by the submitters: PubMed 12404112; PubMed 21598378.